The following is an entry in ClinVar:

ClinVar aggregate classification (germline): Uncertain significance. Review status: criteria provided, multiple submitters, no conflicts (2 of 4 stars). 6 submissions from 6 submitters: Uncertain significance (6). Last evaluated 2025-04-09.

Conditions:
Inborn genetic diseases. Identifiers: MedGen C0950123, MeSH D030342.
Renal tubular acidosis with progressive nerve deafness. Also called: renal tubular acidosis, distal, 2, with progressive sensorineural hearing loss; Distal Renal Tubular Acidosis with Progressive Sensorineural Deafness; RENAL TUBULAR ACIDOSIS, AUTOSOMAL RECESSIVE, WITH PROGRESSIVE NERVE DEAFNESS; RTA WITH PROGRESSIVE NERVE DEAFNESS. Identifiers: MedGen C0403554, MONDO:0009968, OMIM 267300.

Allele frequency attached by ClinVar (database versions not stated): gnomAD exomes 0.00002 and 0.00009; gnomAD 0.00006 and 0.00005; ESP Exome Variant Server 0.00015; ExAC 0.00002; TOPMed 0.00006.

Submissions (6):

GeneDx
Classification: Uncertain significance. Last evaluated: 2025-04-09. Review status: criteria provided, single submitter. Criteria: GeneDx Variant Classification Process June 2021. Collection method: clinical testing. Allele origin: germline. Affected: yes.
Comment: In silico analysis supports that this missense variant has a deleterious effect on protein structure/function; Has not been previously published as pathogenic or benign to our knowledge; Not observed at significant frequency in large population cohorts (gnomAD)

Blueprint Genetics
Classification: Uncertain significance. Last evaluated: 2024-11-26. Review status: criteria provided, single submitter. Criteria: ACMG Guidelines, 2015. Collection method: clinical testing. Allele origin: germline.

Ambry Genetics
Classification: Uncertain significance for Inborn genetic diseases. Last evaluated: 2024-05-08. Review status: criteria provided, single submitter. Criteria: Ambry Variant Classification Scheme 2023. Collection method: clinical testing. Allele origin: germline.

Fulgent Genetics
Classification: Uncertain significance for Renal tubular acidosis with progressive nerve deafness. Last evaluated: 2024-01-24. Review status: criteria provided, single submitter. Criteria: ACMG Guidelines, 2015. Collection method: clinical testing. Allele origin: germline.

Labcorp Genetics (formerly Invitae), Labcorp
Classification: Uncertain significance. Last evaluated: 2022-01-31. Review status: criteria provided, single submitter. Criteria: Invitae Variant Classification Sherloc (09022015). Collection method: clinical testing. Allele origin: germline.
Comment: This sequence change replaces isoleucine, which is neutral and non-polar, with threonine, which is neutral and polar, at codon 400 of the ATP6V1B1 protein (p.Ile400Thr). This variant is present in population databases (rs201630416, gnomAD 0.01%). This variant has not been reported in the literature in individuals affected with ATP6V1B1-related conditions. ClinVar contains an entry for this variant (Variation ID: 898295). Algorithms developed to predict the effect of missense changes on protein structure and function are either unavailable or do not agree on the potential impact of this missense change (SIFT: "Deleterious"; PolyPhen-2: "Probably Damaging"; Align-GVGD: "Class C0"). In summary, the available evidence is currently insufficient to determine the role of this variant in disease. Therefore, it has been classified as a Variant of Uncertain Significance.

Illumina Laboratory Services, Illumina
Classification: Uncertain significance for Renal tubular acidosis with progressive nerve deafness. Last evaluated: 2018-01-12. Review status: criteria provided, single submitter. Criteria: ICSL Variant Classification Criteria 13 December 2019. Collection method: clinical testing. Allele origin: germline.

NM_001692.4(ATP6V1B1):c.1199T>C (p.Ile400Thr)

Gene: ATP6V1B1 (ATPase H+ transporting V1 subunit B1; plus strand). Cytogenetic location: 2p13.3.
Variant type: single nucleotide variant.
Coding change: c.1199T>C on transcript NM_001692.4 (MANE Select); coding-DNA position 1199, T replaced by C.
Protein change: p.Ile400Thr; replaces isoleucine 400 with threonine.
Molecular consequence: missense variant.
Genome position (GRCh38, 1-based): chr2:70,964,493, T>C. VCF-style: chr2-70964493-T-C. GRCh37 (hg19) VCF-style: chr2-71191623-T-C.
Other names: short protein forms I400T.
Identifiers: ClinVar variation 898295 (VCV000898295.9), dbSNP rs201630416, ClinGen allele CA1701290.